The following is an entry in ClinVar:

ClinVar aggregate classification (germline): Conflicting classifications of pathogenicity. Review status: criteria provided, conflicting classifications (1 of 4 stars). 12 submissions from 11 submitters: Uncertain significance (3); Likely benign (5). 4 of the submissions do not count toward it. Last evaluated 2026-08-11.

Conditions:
MKS1-related disorder. Also called: MKS1-related condition; MKS1-related disorders. Identifiers: MedGen CN239382.
Meckel-Gruber syndrome. Also called: DYSENCEPHALIA SPLANCHNOCYSTICA; GRUBER SYNDROME; Dysencephalia splachnocystica. Identifiers: Orphanet 564, MedGen C0265215, MONDO:0018921.
Joubert syndrome. Also called: JOUBERT-BOLTSHAUSER SYNDROME; Familial aplasia of the vermis. Identifiers: Orphanet 475, MedGen C5979921, MONDO:0018772.
Meckel syndrome, type 1 (MKS1). Also called: MECKEL-GRUBER SYNDROME, TYPE 1. Identifiers: Orphanet 564, MedGen C3714506, MONDO:0009571, OMIM 249000.
Bardet-Biedl syndrome 13 (BBS13). Identifiers: Orphanet 110, MedGen C2673873, MONDO:0014441, OMIM 615990.

Allele frequency attached by ClinVar (database versions not stated): 1000 Genomes Project 30x 0.00047; 1000 Genomes Project 0.00060; ExAC 0.00066; gnomAD exomes 0.00072 and 0.00144; gnomAD 0.00079 and 0.00086; TOPMed 0.00088; ESP Exome Variant Server 0.00100.
gnomAD v4.1: 2,095 of 1,551,140 alleles (0.14%); highest among the groups gnomAD compares: Non-Finnish European, 0.17%; 2 homozygotes.

Submissions (12):

PreventionGenetics, part of Exact Sciences
Classification: Likely benign for MKS1-related condition. Last evaluated: 2026-08-11. Review status: criteria provided, single submitter. Criteria: ACMG Guidelines, 2015. Collection method: clinical testing. Allele origin: germline.
Comment: This variant is classified as likely benign based on ACMG/AMP sequence variant interpretation guidelines (Richards et al. 2015 PMID: 25741868, with internal and published modifications).

Labcorp Genetics (formerly Invitae), Labcorp
Classification: Likely benign for Joubert syndrome; Meckel-Gruber syndrome. Last evaluated: 2026-01-28. Review status: criteria provided, single submitter. Criteria: Invitae Variant Classification Sherloc (09022015). Collection method: clinical testing. Allele origin: germline.

CeGaT Center for Human Genetics Tuebingen
Classification: Likely benign. Last evaluated: 2025-09-01. Review status: criteria provided, single submitter. Criteria: CeGaT Center For Human Genetics Tuebingen Variant Classification Criteria Version 2. Collection method: clinical testing. Allele origin: germline. Affected: yes. Observed: 3 variant alleles.
Comment: MKS1: BP4, BP7

Blueprint Genetics
Classification: Likely benign. Last evaluated: 2024-11-15. Review status: criteria provided, single submitter. Criteria: ACMG Guidelines, 2015. Collection method: clinical testing. Allele origin: germline.

GeneDx
Classification: Likely benign. Last evaluated: 2020-12-10. Review status: criteria provided, single submitter. Criteria: GeneDx Variant Classification Process June 2021. Collection method: clinical testing. Allele origin: germline. Affected: yes.

Eurofins Ntd Llc (ga)
Classification: Uncertain significance. Last evaluated: 2018-07-09. Review status: criteria provided, single submitter. Criteria: EGL ClinVar v180209 classification definitions. Collection method: clinical testing. Allele origin: germline. Observed: 6 variant alleles, 6 heterozygotes.

Illumina Laboratory Services, Illumina
Classification: Uncertain significance for Meckel syndrome, type 1. Last evaluated: 2018-01-13. Review status: criteria provided, single submitter. Criteria: ICSL Variant Classification Criteria 13 December 2019. Collection method: clinical testing. Allele origin: germline.

Illumina Laboratory Services, Illumina
Classification: Uncertain significance for Bardet-Biedl syndrome 13. Last evaluated: 2018-01-13. Review status: criteria provided, single submitter. Criteria: ICSL Variant Classification Criteria 13 December 2019. Collection method: clinical testing. Allele origin: germline.

Natera, Inc.
Classification: Likely benign for Meckel syndrome type 1. Last evaluated: 2020-09-16. Review status: no assertion criteria provided. Collection method: clinical testing. Allele origin: germline. Not counted in ClinVar's aggregate classification.

Clinical Genetics DNA and cytogenetics Diagnostics Lab, Erasmus MC, Erasmus Medical Center
Classification: Likely benign. Review status: no assertion criteria provided. Collection method: clinical testing. Allele origin: germline. Affected: yes. Study: VKGL Data-share Consensus. Not counted in ClinVar's aggregate classification.

Clinical Genetics, Academic Medical Center
Classification: Likely benign. Review status: no assertion criteria provided. Collection method: clinical testing. Allele origin: germline. Affected: yes. Study: VKGL Data-share Consensus. Not counted in ClinVar's aggregate classification.

Genome Diagnostics Laboratory, University Medical Center Utrecht
Classification: Likely benign. Review status: no assertion criteria provided. Collection method: clinical testing. Allele origin: germline. Affected: yes. Study: VKGL Data-share Consensus. Not counted in ClinVar's aggregate classification.

NM_017777.4(MKS1):c.27C>T (p.Asp9=)

Genes: MKS1 (MKS transition zone complex subunit 1; minus strand), LOC130061271 (ATAC-STARR-seq lymphoblastoid active region 12461; plus strand). Cytogenetic location: 17q22.
Variant type: single nucleotide variant.
Coding change: c.27C>T on transcript NM_017777.4 (MANE Select); coding-DNA position 27, C replaced by T.
Protein change: p.Asp9=; no amino-acid change (aspartic acid 9 retained).
Molecular consequence: synonymous variant. On other transcripts: 5 prime UTR variant (1).
Genome position (GRCh38, 1-based): chr17:58,219,204, G>A on the plus strand (C>T on the coding strand, the complement: MKS1 is on the minus strand). VCF-style: chr17-58219204-G-A. GRCh37 (hg19) VCF-style: chr17-56296565-G-A.
Other names: c.-485C>T (NM_001321268.2); c.27C>T, p.Asp9= (NM_001321269.2, NM_001330397.2).
Identifiers: ClinVar variation 324171 (VCV000324171.48), dbSNP rs369488349, ClinGen allele CA8669667.
Genomic context (GRCh38, chr17:58,219,204, plus strand): 5'-CGACTACCGGAGGCGCAAGTTGCGCACGGGGTCCCGGGAGCGATACACTGCCTCCCCGGT[G>A]TCAGTGCTCCAGACGGTCTCCGCCATGACAGCTGCGACGCGCCGCGACTGCGCCGGAAAG-3'
Protein context (NP_060247.2, residues 1-19): MAETVWST[Asp9=]TGEAVYRSRD